The following is an entry in ClinVar:

ClinVar aggregate classification (germline): Uncertain significance (1 of 4 stars; one submission).

Conditions:
Dilated cardiomyopathy 1D. Identifiers: Orphanet 154, Orphanet 54260, MedGen C1832243, MONDO:0011095, OMIM 601494.
Cardiomyopathy, familial restrictive, 3. Identifiers: Orphanet 75249, MedGen C2676271, MONDO:0012900, OMIM 612422.
Hypertrophic cardiomyopathy 2. Also called: TNNT2-Related Familial Hypertrophic Cardiomyopathy. Identifiers: MedGen C1861864, MONDO:0007266, OMIM 115195.

Submission:

Labcorp Genetics (formerly Invitae), Labcorp
Classification: Uncertain significance for Cardiomyopathy, familial restrictive, 3; Hypertrophic cardiomyopathy 2; Dilated cardiomyopathy 1D. Last evaluated: 2022-11-15. Review status: criteria provided, single submitter. Criteria: Invitae Variant Classification Sherloc (09022015). Collection method: clinical testing. Allele origin: germline.
Comment: Algorithms developed to predict the effect of sequence changes on RNA splicing suggest that this variant may disrupt the consensus splice site. In summary, the available evidence is currently insufficient to determine the role of this variant in disease. Therefore, it has been classified as a Variant of Uncertain Significance. ClinVar contains an entry for this variant (Variation ID: 1391618). This variant has not been reported in the literature in individuals affected with TNNT2-related conditions. This variant is not present in population databases (gnomAD no frequency). This sequence change falls in intron 3 of the TNNT2 gene. It does not directly change the encoded amino acid sequence of the TNNT2 protein.

NM_001276345.2(TNNT2):c.53-19G>A

Gene: TNNT2 (troponin T2, cardiac type; minus strand). Cytogenetic location: 1q32.1.
Variant type: single nucleotide variant.
Coding change: c.53-19G>A on transcript NM_001276345.2 (MANE Select); 19 bases into the intron before coding-DNA position 53, G replaced by A.
Molecular consequence: intron variant.
Genome position (GRCh38, 1-based): chr1:201,372,060, C>T on the plus strand (G>A on the coding strand, the complement: TNNT2 is on the minus strand). VCF-style: chr1-201372060-C-T. GRCh37 (hg19) VCF-style: chr1-201341188-C-T.
Other names: c.52+85G>A (NM_001001432.3); c.53-19G>A (NM_001001431.3, NM_001001430.3, NM_001276346.2 and 2 more transcripts).
Identifiers: ClinVar variation 1391618 (VCV001391618.6), dbSNP rs2102308860, ClinGen allele CA077450.
Genomic context (GRCh38, chr1:201,372,060, plus strand): 5'-GGCTCTCCACCTGCCTGAGGCACATACCTTCAACAGCTGCTTCTGCTCAGAAGAGAAGTC[C>T]AGGCAGCAAGAGAAGAGAGAAGAGGTGGGTCAGTTTCGAACCAGGCTGTCTTTGATCCAA-3'